The following is an entry in ClinVar:

ClinVar aggregate classification (germline): Uncertain significance (1 of 4 stars; one submission).

Submission:

CeGaT Center for Human Genetics Tuebingen
Classification: Uncertain significance. Last evaluated: 2024-10-01. Review status: criteria provided, single submitter. Criteria: CeGaT Center For Human Genetics Tuebingen Variant Classification Criteria Version 2. Collection method: clinical testing. Allele origin: germline. Affected: yes. Observed: 1 variant allele.
Comment: ACTL9: PM2

NM_178525.5(ACTL9):c.1175C>G (p.Ala392Gly)

Gene: ACTL9 (actin like 9; minus strand). Cytogenetic location: 19p13.2.
Variant type: single nucleotide variant.
Coding change: c.1175C>G on transcript NM_178525.5 (MANE Select); coding-DNA position 1175, C replaced by G.
Protein change: p.Ala392Gly; replaces alanine 392 with glycine.
Molecular consequence: missense variant.
Genome position (GRCh38, 1-based): chr19:8,697,527, G>C on the plus strand (C>G on the coding strand, the complement: ACTL9 is on the minus strand). VCF-style: chr19-8697527-G-C. GRCh37 (hg19) VCF-style: chr19-8807877-G-C.
Other names: short protein forms A392G.
Identifiers: ClinVar variation 3388952 (VCV003388952.14).